The following is an entry in ClinVar:

ClinVar aggregate classification (germline): Uncertain significance (1 of 4 stars; one submission).

Conditions:
Hypertrophic cardiomyopathy 14. Identifiers: MedGen C2750467, MONDO:0013197, OMIM 613251.

Allele frequency attached by ClinVar (database versions not stated): gnomAD exomes below 0.00001; ExAC 0.00001.

Submission:

Labcorp Genetics (formerly Invitae), Labcorp
Classification: Uncertain significance for Hypertrophic cardiomyopathy 14. Last evaluated: 2022-07-19. Review status: criteria provided, single submitter. Criteria: Invitae Variant Classification Sherloc (09022015). Collection method: clinical testing. Allele origin: germline.
Comment: In summary, the available evidence is currently insufficient to determine the role of this variant in disease. Therefore, it has been classified as a Variant of Uncertain Significance. Algorithms developed to predict the effect of missense changes on protein structure and function are either unavailable or do not agree on the potential impact of this missense change (SIFT: "Deleterious"; PolyPhen-2: "Probably Damaging"; Align-GVGD: "Class C0"). ClinVar contains an entry for this variant (Variation ID: 962866). This variant has not been reported in the literature in individuals affected with MYH6-related conditions. This variant is present in population databases (rs760815285, gnomAD 0.0009%). This sequence change replaces leucine, which is neutral and non-polar, with proline, which is neutral and non-polar, at codon 602 of the MYH6 protein (p.Leu602Pro).

NM_002471.4(MYH6):c.1805T>C (p.Leu602Pro)

Gene: MYH6 (myosin heavy chain 6; minus strand). Cytogenetic location: 14q11.2.
Variant type: single nucleotide variant.
Coding change: c.1805T>C on transcript NM_002471.4 (MANE Select); coding-DNA position 1805, T replaced by C.
Protein change: p.Leu602Pro; replaces leucine 602 with proline.
Molecular consequence: missense variant.
Genome position (GRCh38, 1-based): chr14:23,398,814, A>G on the plus strand (T>C on the coding strand, the complement: MYH6 is on the minus strand). VCF-style: chr14-23398814-A-G. GRCh37 (hg19) VCF-style: chr14-23868023-A-G.
Other names: short protein forms L602P.
Identifiers: ClinVar variation 962866 (VCV000962866.9), dbSNP rs760815285, ClinGen allele CA7115707.
Genomic context (GRCh38, chr14:23,398,814, plus strand): 5'-AAGAGAGTGGCCATGAGCTTGAGGGAGGACTTCTGGTACAGGGCCACAACAGTCTCGTTG[A>G]GAGGATCCTTGTTTTTTTCCAGCCAGCCCAGGATGTTGTAGTCCACAGTGCCGGCGTAGT-3'
Protein context (NP_002462.2, residues 592-612): LGWLEKNKDP[Leu602Pro]NETVVALYQK